The following is an entry in ClinVar:

NM_001148.6(ANK2):c.10774G>T (p.Asp3592Tyr)

Gene: ANK2 (ankyrin 2; plus strand). Cytogenetic location: 4q26.
Variant type: single nucleotide variant.
Coding change: c.10774G>T on transcript NM_001148.6 (MANE Select); coding-DNA position 10774, G replaced by T.
Protein change: p.Asp3592Tyr; replaces aspartic acid 3592 with tyrosine.
Molecular consequence: missense variant.
Genome position (GRCh38, 1-based): chr4:113,363,355, G>T. VCF-style: chr4-113363355-G-T. GRCh37 (hg19) VCF-style: chr4-114284511-G-T.
Other names: c.4504G>T, p.Asp1502Tyr (NM_001386186.2, NM_001386148.2); c.4384G>T, p.Asp1462Tyr (NM_001386187.2); c.4519G>T, p.Asp1507Tyr (NM_020977.5); c.10774G>T (NM_001148.5); c.4492G>T, p.Asp1498Tyr (NM_001127493.3); c.4531G>T, p.Asp1511Tyr (NM_001354225.2); c.4420G>T, p.Asp1474Tyr (NM_001354228.2, NM_001354258.2); c.4498G>T, p.Asp1500Tyr (NM_001354230.2); and 36 more; short protein forms D1346Y, D1379Y, D1407Y, D1412Y, D1420Y, D1429Y, D1432Y, D1434Y.
Identifiers: ClinVar variation 1006273 (VCV001006273.6), dbSNP rs777495627, ClinGen allele CA3052135.
Genomic context (GRCh38, chr4:113,363,355, plus strand): 5'-CCTTGAAGTTAATGTGTTTACAAAGTAGTATTTTATCTTCTAGAATTAGCAAGAGAACTG[G>T]ATTTCACTGAGGAGCAAATTCATCAAATTCGAATTGAAAATCCCAACTCTCTTCAAGACC-3'
Protein context (NP_001139.3, residues 3582-3602): FSWTELAREL[Asp3592Tyr]FTEEQIHQIR

ClinVar aggregate classification (germline): Uncertain significance. Review status: criteria provided, multiple submitters, no conflicts (2 of 4 stars). 2 submissions from 2 submitters: Uncertain significance (2). Last evaluated 2025-04-09.

Conditions:
Cardiovascular phenotype. Identifiers: MedGen CN230736.
Long QT syndrome (LQTS). Identifiers: MedGen C0023976, MeSH D008133, MONDO:0002442. Disease mechanism: loss of function. Inheritance: Various modes of inheritance.

Allele frequency attached by ClinVar (database versions not stated): gnomAD exomes below 0.00001 and 0.00001; ExAC 0.00001.
gnomAD v4.1: 4 of 1,613,260 alleles (0.00025%); highest among the groups gnomAD compares: Non-Finnish European, 0.00034%; no homozygotes.

Submissions (2):

Molecular Diagnostic Laboratory for Inherited Cardiovascular Disease, Montreal Heart Institute
Classification: Uncertain significance for Cardiovascular phenotype. Last evaluated: 2025-04-09. Review status: criteria provided, single submitter. Criteria: ACMG Guidelines, 2015. Collection method: clinical testing. Allele origin: germline. Affected: yes.
Comment: PM2, PP3

Labcorp Genetics (formerly Invitae), Labcorp
Classification: Uncertain significance for Long QT syndrome. Last evaluated: 2020-06-04. Review status: criteria provided, single submitter. Criteria: Invitae Variant Classification Sherloc (09022015). Collection method: clinical testing. Allele origin: germline.
Comment: This sequence change replaces aspartic acid with tyrosine at codon 3592 of the ANK2 protein (p.Asp3592Tyr). The aspartic acid residue is moderately conserved and there is a large physicochemical difference between aspartic acid and tyrosine. This variant is present in population databases (rs777495627, ExAC 0.002%). This variant has not been reported in the literature in individuals with ANK2-related conditions. Algorithms developed to predict the effect of missense changes on protein structure and function are either unavailable or do not agree on the potential impact of this missense change (SIFT: "Deleterious"; PolyPhen-2: "Probably Damaging"; Align-GVGD: "Class C0"). In summary, the available evidence is currently insufficient to determine the role of this variant in disease. Therefore, it has been classified as a Variant of Uncertain Significance.